The following is an entry in ClinVar:

NM_004168.4(SDHA):c.121A>G (p.Lys41Glu)

Gene: SDHA (succinate dehydrogenase complex flavoprotein subunit A; plus strand). Cytogenetic location: 5p15.33.
Variant type: single nucleotide variant.
Coding change: c.121A>G on transcript NM_004168.4 (MANE Select); coding-DNA position 121, A replaced by G.
Protein change: p.Lys41Glu; replaces lysine 41 with glutamic acid.
Molecular consequence: missense variant.
Genome position (GRCh38, 1-based): chr5:223,539, A>G. VCF-style: chr5-223539-A-G. GRCh37 (hg19) VCF-style: chr5-223654-A-G.
Other names: c.121A>G, p.Lys41Glu (NM_001294332.2, NM_001330758.2); short protein forms K41E.
Identifiers: ClinVar variation 3748958 (VCV003748958.2).

ClinVar aggregate classification (germline): Uncertain significance (1 of 4 stars; one submission).

Conditions:
Mitochondrial complex II deficiency, nuclear type 1. Also called: SUCCINATE CoQ REDUCTASE DEFICIENCY. Identifiers: Orphanet 3208, MedGen C5700310, MONDO:0100294, OMIM 252011.
Pheochromocytoma/paraganglioma syndrome 5. Also called: Paragangliomas 5; SDHA-Related Hereditary Paraganglioma-Pheochromocytoma Syndrome. Identifiers: Orphanet 29072, MedGen C3279992, MONDO:0013602, OMIM 614165.

Submission:

Labcorp Genetics (formerly Invitae), Labcorp
Classification: Uncertain significance for Pheochromocytoma/paraganglioma syndrome 5; Mitochondrial complex II deficiency, nuclear type 1. Last evaluated: 2025-07-07. Review status: criteria provided, single submitter. Criteria: Invitae Variant Classification Sherloc (09022015). Collection method: clinical testing. Allele origin: germline.
Comment: This sequence change replaces lysine, which is basic and polar, with glutamic acid, which is acidic and polar, at codon 41 of the SDHA protein (p.Lys41Glu). This variant is not present in population databases (gnomAD no frequency). This variant has not been reported in the literature in individuals affected with SDHA-related conditions. ClinVar contains an entry for this variant (Variation ID: 3748958). Invitae Evidence Modeling of protein sequence and biophysical properties (such as structural, functional, and spatial information, amino acid conservation, physicochemical variation, residue mobility, and thermodynamic stability) indicates that this missense variant is not expected to disrupt SDHA protein function with a negative predictive value of 95%. In summary, the available evidence is currently insufficient to determine the role of this variant in disease. Therefore, it has been classified as a Variant of Uncertain Significance.